The following is an entry in ClinVar:

ClinVar aggregate classification (germline): Uncertain significance. Review status: criteria provided, multiple submitters, no conflicts (2 of 4 stars). 2 submissions from 2 submitters: Uncertain significance (2). Last evaluated 2024-03-21.

Conditions:
Inborn genetic diseases. Identifiers: MedGen C0950123, MeSH D030342.

Allele frequency attached by ClinVar (database versions not stated): TOPMed below 0.00001; gnomAD exomes 0.00002; ExAC 0.00003.

Submissions (2):

Labcorp Genetics (formerly Invitae), Labcorp
Classification: Uncertain significance. Last evaluated: 2024-03-21. Review status: criteria provided, single submitter. Criteria: Invitae Variant Classification Sherloc (09022015). Collection method: clinical testing. Allele origin: germline.
Comment: This sequence change replaces valine, which is neutral and non-polar, with isoleucine, which is neutral and non-polar, at codon 44 of the IGF2 protein (p.Val44Ile). This variant is present in population databases (rs747135996, gnomAD 0.003%). This variant has not been reported in the literature in individuals affected with IGF2-related conditions. An algorithm developed to predict the effect of missense changes on protein structure and function (PolyPhen-2) suggests that this variant is likely to be disruptive. In summary, the available evidence is currently insufficient to determine the role of this variant in disease. Therefore, it has been classified as a Variant of Uncertain Significance.

Ambry Genetics
Classification: Uncertain significance for Inborn genetic diseases. Last evaluated: 2023-12-08. Review status: criteria provided, single submitter. Criteria: Ambry Variant Classification Scheme 2023. Collection method: clinical testing. Allele origin: germline.

NM_000612.6(IGF2):c.130G>A (p.Val44Ile)

Genes: IGF2 (insulin like growth factor 2; minus strand), INS-IGF2 (INS-IGF2 readthrough; minus strand). Cytogenetic location: 11p15.5.
Variant type: single nucleotide variant.
Coding change: c.130G>A on transcript NM_000612.6 (MANE Select); coding-DNA position 130, G replaced by A.
Protein change: p.Val44Ile; replaces valine 44 with isoleucine.
Molecular consequence: missense variant. On other transcripts: non-coding transcript variant (1).
Genome position (GRCh38, 1-based): chr11:2,135,394, C>T on the plus strand (G>A on the coding strand, the complement: IGF2 is on the minus strand). VCF-style: chr11-2135394-C-T. GRCh37 (hg19) VCF-style: chr11-2156624-C-T.
Other names: c.130G>A, p.Val44Ile (NM_001007139.6, NM_001291861.3, NM_001291862.3); c.298G>A, p.Val100Ile (NM_001127598.3); short protein forms V44I, V100I.
Identifiers: ClinVar variation 3108530 (VCV003108530.3), dbSNP rs747135996, ClinGen allele CA5817735.